The following is an entry in ClinVar:

ClinVar aggregate classification (germline): Uncertain significance (1 of 4 stars; one submission).

Conditions:
Axenfeld-Rieger syndrome type 3 (RIEG3). Also called: AXENFELD-RIEGER ANOMALY WITH CARDIAC DEFECTS AND/OR SENSORINEURAL HEARING LOSS. Identifiers: Orphanet 782, MedGen C2678503, MONDO:0011233, OMIM 602482.

Submission:

Labcorp Genetics (formerly Invitae), Labcorp
Classification: Uncertain significance for Axenfeld-Rieger syndrome type 3. Last evaluated: 2023-08-08. Review status: criteria provided, single submitter. Criteria: Invitae Variant Classification Sherloc (09022015). Collection method: clinical testing. Allele origin: germline.
Comment: This missense change has been observed in individual(s) with clinical features of FOXC1-related conditions (Invitae). It has also been observed to segregate with disease in related individuals. This variant is not present in population databases (gnomAD no frequency). This sequence change replaces isoleucine, which is neutral and non-polar, with threonine, which is neutral and polar, at codon 104 of the FOXC1 protein (p.Ile104Thr). An algorithm developed to predict the effect of missense changes on protein structure and function (PolyPhen-2) suggests that this variant is likely to be disruptive. In summary, the available evidence is currently insufficient to determine the role of this variant in disease. Therefore, it has been classified as a Variant of Uncertain Significance.

NM_001453.3(FOXC1):c.311T>C (p.Ile104Thr)

Genes: FOXC1 (forkhead box C1; plus strand), LOC129995601 (ATAC-STARR-seq lymphoblastoid active region 23864; plus strand). Cytogenetic location: 6p25.3.
Variant type: single nucleotide variant.
Coding change: c.311T>C on transcript NM_001453.3 (MANE Select); coding-DNA position 311, T replaced by C.
Protein change: p.Ile104Thr; replaces isoleucine 104 with threonine.
Molecular consequence: missense variant.
Genome position (GRCh38, 1-based): chr6:1,610,756, T>C. VCF-style: chr6-1610756-T-C. GRCh37 (hg19) VCF-style: chr6-1610991-T-C.
Other names: short protein forms I104T.
Identifiers: ClinVar variation 2858932 (VCV002858932.3), dbSNP rs2480502259, ClinGen allele CA362558531.
Genomic context (GRCh38, chr6:1,610,756, plus strand): 5'-TCGCGCTCATCACCATGGCCATCCAGAACGCCCCGGACAAGAAGATCACCCTGAACGGCA[T>C]CTACCAGTTCATCATGGACCGCTTCCCCTTCTACCGGGACAACAAGCAGGGCTGGCAGAA-3'
Protein context (NP_001444.2, residues 94-114): APDKKITLNG[Ile104Thr]YQFIMDRFPF